The following is an entry in ClinVar:

NM_000257.4(MYH7):c.5015C>T (p.Ala1672Val)

Genes: MHRT (myosin heavy chain associated RNA transcript; plus strand), MYH7 (myosin heavy chain 7; minus strand), LOC126861897 (BRD4-independent group 4 enhancer GRCh37_chr14:23884455-23885654; plus strand). Cytogenetic location: 14q11.2.
Variant type: single nucleotide variant.
Coding change: c.5015C>T on transcript NM_000257.4 (MANE Select); coding-DNA position 5015, C replaced by T.
Protein change: p.Ala1672Val; replaces alanine 1672 with valine.
Molecular consequence: missense variant. On other transcripts: non-coding transcript variant (1).
Genome position (GRCh38, 1-based): chr14:23,415,771, G>A on the plus strand (C>T on the coding strand, the complement: MYH7 is on the minus strand). VCF-style: chr14-23415771-G-A. GRCh37 (hg19) VCF-style: chr14-23884980-G-A.
Other names: short protein forms A1672V.
Identifiers: ClinVar variation 1483174 (VCV001483174.6), dbSNP rs2138640632, ClinGen allele CA389037130.

ClinVar aggregate classification (germline): Uncertain significance (1 of 4 stars; one submission).

Conditions:
Hypertrophic cardiomyopathy. Also called: HYPERTROPHIC MYOCARDIOPATHY. Identifiers: Orphanet 217569, MedGen C0007194, MeSH D002312, MONDO:0005045, HP:0001639.

Allele frequency attached by ClinVar (database versions not stated): gnomAD exomes below 0.00001.
gnomAD v4.1: 1 of 1,614,198 alleles (0.000062%); highest among the groups gnomAD compares: Non-Finnish European, 0.000085%; no homozygotes.

Submission:

Labcorp Genetics (formerly Invitae), Labcorp
Classification: Uncertain significance for Hypertrophic cardiomyopathy. Last evaluated: 2021-11-27. Review status: criteria provided, single submitter. Criteria: Invitae Variant Classification Sherloc (09022015). Collection method: clinical testing. Allele origin: germline.
Comment: In summary, the available evidence is currently insufficient to determine the role of this variant in disease. Therefore, it has been classified as a Variant of Uncertain Significance. Algorithms developed to predict the effect of missense changes on protein structure and function are either unavailable or do not agree on the potential impact of this missense change (SIFT: "Deleterious"; PolyPhen-2: "Benign"; Align-GVGD: "Class C0"). This variant has not been reported in the literature in individuals affected with MYH7-related conditions. This variant is not present in population databases (gnomAD no frequency). This sequence change replaces alanine, which is neutral and non-polar, with valine, which is neutral and non-polar, at codon 1672 of the MYH7 protein (p.Ala1672Val).